The following is an entry in ClinVar:

ClinVar aggregate classification (germline): Uncertain significance. Review status: criteria provided, multiple submitters, no conflicts (2 of 4 stars). 2 submissions from 2 submitters: Uncertain significance (2). Last evaluated 2023-05-02.

Conditions:
Congenital myasthenic syndrome 19. Identifiers: Orphanet 590, MedGen C4225235, MONDO:0014745, OMIM 616720.

Allele frequency attached by ClinVar (database versions not stated): gnomAD exomes below 0.00001.
gnomAD v4.1: 1 of 1,613,580 alleles (0.000062%); highest among the groups gnomAD compares: African/African-American, 0.0013%; no homozygotes.

Submissions (2):

Broad Center for Mendelian Genomics, Broad Institute of MIT and Harvard
Classification: Uncertain significance for Congenital myasthenic syndrome 19. Last evaluated: 2023-05-02. Review status: criteria provided, single submitter. Criteria: ACMG Guidelines, 2015. Collection method: curation. Allele origin: germline. Inheritance: Autosomal recessive inheritance.
Comment: The homozygous c.549+5G>A variant in COL13A1 was identified by our study in two siblings with congenital myasthenic syndrome 19 (PMID: 31081514). This variant is absent in population databases. This variant has also been reported in ClinVar (Variation ID: 1374468) and has been interpreted as a variant of uncertain significance by Invitae. This variant is located in the 5' splice region. Computational tools do suggest an impact to splicing. However, this information is not predictive enough to determine pathogenicity. In summary, the clinical significance of the c.549+5G>A variant is uncertain. ACMG/AMP Criteria applied: PM2_Supporting, PM3_Supporting, PP3 (Richards 2015).

Labcorp Genetics (formerly Invitae), Labcorp
Classification: Uncertain significance. Last evaluated: 2022-07-12. Review status: criteria provided, single submitter. Criteria: Invitae Variant Classification Sherloc (09022015). Collection method: clinical testing. Allele origin: germline.
Comment: This sequence change falls in intron 7 of the COL13A1 gene. It does not directly change the encoded amino acid sequence of the COL13A1 protein. It affects a nucleotide within the consensus splice site. This variant is not present in population databases (gnomAD no frequency). This variant has not been reported in the literature in individuals affected with COL13A1-related conditions. ClinVar contains an entry for this variant (Variation ID: 1374468). Variants that disrupt the consensus splice site are a relatively common cause of aberrant splicing (PMID: 17576681, 9536098). Algorithms developed to predict the effect of sequence changes on RNA splicing suggest that this variant may create or strengthen a splice site. In summary, the available evidence is currently insufficient to determine the role of this variant in disease. Therefore, it has been classified as a Variant of Uncertain Significance.

Literature cited by the submitters: PubMed 17576681 (cited by Labcorp Genetics (formerly Invitae), Labcorp); PubMed 9536098 (cited by Labcorp Genetics (formerly Invitae), Labcorp).

NM_001368882.1(COL13A1):c.549+5G>A

Gene: COL13A1 (collagen type XIII alpha 1 chain; plus strand). Cytogenetic location: 10q22.1.
Variant type: single nucleotide variant.
Coding change: c.549+5G>A on transcript NM_001368882.1 (MANE Select); 5 bases into the intron after coding-DNA position 549, G replaced by A.
Molecular consequence: intron variant.
Genome position (GRCh38, 1-based): chr10:69,887,496, G>A. VCF-style: chr10-69887496-G-A. GRCh37 (hg19) VCF-style: chr10-71647252-G-A.
Other names: c.549+5G>A (NM_001320951.2, NM_001368884.1); c.522+5G>A (NM_001130103.2, NM_080801.4, NM_080802.4 and 1 more transcripts); c.-52+5G>A (NM_001368886.1); c.513+5G>A (NM_001368883.1, NM_001368885.1); c.435+5G>A (NM_080805.4, NM_001368897.1); c.459+5G>A (NM_001368895.1); c.408+5G>A (NM_001368898.1, NM_080798.4, NM_001368896.1).
Identifiers: ClinVar variation 1374468 (VCV001374468.6), dbSNP rs2134524471, ClinGen allele CA2573145253.